The following is an entry in ClinVar:

ClinVar aggregate classification (germline): Uncertain significance (1 of 4 stars; one submission).

Conditions:
GNB2-related disorder. Also called: GNB2-related condition.

Submission:

PreventionGenetics, part of Exact Sciences
Classification: Uncertain significance for GNB2-related condition. Last evaluated: 2026-04-27. Review status: criteria provided, single submitter. Criteria: ACMG Guidelines, 2015. Collection method: clinical testing. Allele origin: germline.
Comment: The GNB2 c.635_641dup7 variant is predicted to result in a frameshift and premature protein termination (p.Asp215Argfs*14). To our knowledge, this variant has not been reported in the literature or in a large population database (gnomAD), indicating this variant is rare. Loss of function is not an established mechanism of GNB2-related disease; however, this gene does appear to possibly be loss-of-function intolerant (pLI=1). At this time, the clinical significance of this variant is uncertain due to the absence of conclusive functional and genetic evidence.

NM_005273.4(GNB2):c.635_641dup (p.Asp215fs)

Gene: GNB2 (G protein subunit beta 2; plus strand). Cytogenetic location: 7q22.1.
Variant type: Duplication.
Coding change: c.635_641dup on transcript NM_005273.4 (MANE Select); coding-DNA positions 635 to 641, 7 bases duplicated (ACGTGCG; older notation c.635_641dupACGTGCG).
Protein change: p.Asp215fs; shifts the reading frame from aspartic acid 215.
Molecular consequence: frameshift variant.
Genome position (GRCh38, 1-based): chr7:100,678,235-100,678,241, ACGTGCG duplicated; duplicating any 7 consecutive bases within chr7:100,678,234-100,678,241 gives the same sequence; the c. name uses the placement nearest the transcript's 3' end. VCF-style (leftmost placement, unchanged base first): chr7-100678233-G-GGACGTGC. GRCh37 (hg19) VCF-style: chr7-100275856-G-GGACGTGC.
Other names: short protein forms D215fs.
Identifiers: ClinVar variation 4993254 (VCV004993254.1).